The following is an entry in ClinVar:

ClinVar aggregate classification (germline): Uncertain significance (1 of 4 stars; one submission).

Submission:

GeneDx
Classification: Uncertain significance. Last evaluated: 2024-04-19. Review status: criteria provided, single submitter. Criteria: GeneDx Variant Classification Process June 2021. Collection method: clinical testing. Allele origin: germline. Affected: yes.
Comment: Has not been previously published as pathogenic or benign to our knowledge; Not observed at significant frequency in large population cohorts (gnomAD); In silico analysis supports that this missense variant has a deleterious effect on protein structure/function

NM_001135998.3(NDUFB11):c.224G>A (p.Gly75Asp)

Gene: NDUFB11 (NADH:ubiquinone oxidoreductase subunit B11; minus strand). Cytogenetic location: Xp11.3.
Variant type: single nucleotide variant.
Coding change: c.224G>A on transcript NM_001135998.3 (MANE Select); coding-DNA position 224, G replaced by A.
Protein change: p.Gly75Asp; replaces glycine 75 with aspartic acid.
Molecular consequence: missense variant.
Genome position (GRCh38, 1-based): chrX:47,142,728, C>T on the plus strand (G>A on the coding strand, the complement: NDUFB11 is on the minus strand). VCF-style: chrX-47142728-C-T. GRCh37 (hg19) VCF-style: chrX-47002127-C-T.
Other names: c.224G>A, p.Gly75Asp (NM_019056.7); short protein forms G75D.
Identifiers: ClinVar variation 3372822 (VCV003372822.1).